The following is an entry in ClinVar:

NM_033380.3(COL4A5):c.2963G>A (p.Gly988Glu)

Gene: COL4A5 (collagen type IV alpha 5 chain; plus strand). Cytogenetic location: Xq22.3.
Variant type: single nucleotide variant.
Coding change: c.2963G>A on transcript NM_033380.3 (MANE Select); coding-DNA position 2963, G replaced by A.
Protein change: p.Gly988Glu; replaces glycine 988 with glutamic acid.
Molecular consequence: missense variant.
Genome position (GRCh38, 1-based): chrX:108,624,281, G>A. VCF-style: chrX-108624281-G-A. GRCh37 (hg19) VCF-style: chrX-107867511-G-A.
Other names: c.2963G>A, p.Gly988Glu (NM_000495.5); short protein forms G988E.
Identifiers: ClinVar variation 599106 (VCV000599106.3), dbSNP rs1569498623, ClinGen allele CA413853377.
Genomic context (GRCh38, chrX:108,624,281, plus strand): 5'-ACTCATTCTTGGAAGGTATACCTGGAGTTTCAGGGCCAAAAGGTTATCAGGGTTTGCCTG[G>A]AGACCCAGGGCAACCTGGACTGAGTGGACAACCTGGATTACCAGGACCACCAGGTAAGTG-3'
Protein context (NP_203699.1, residues 978-998): SGPKGYQGLP[Gly988Glu]DPGQPGLSGQ

ClinVar aggregate classification (germline): Likely pathogenic. Review status: criteria provided, single submitter (1 of 4 stars). 2 submissions from 2 submitters: Likely pathogenic (1). 1 of the submissions does not count toward it. Last evaluated 2025-06-24.

Conditions:
X-linked Alport syndrome (ATS1). Also called: NEPHROPATHY AND DEAFNESS, X-LINKED; COL4A5-Related Nephropathy. Identifiers: Orphanet 63, Orphanet 88917, MedGen C4746986, MONDO:0010520, OMIM 301050.

Submissions (2):

Myriad Genetics, Inc.
Classification: Likely pathogenic for X-linked Alport syndrome. Last evaluated: 2025-06-24. Review status: criteria provided, single submitter. Criteria: Myriad Autosomal Dominant, Autosomal Recessive and X-Linked Classification Criteria (2023). Collection method: clinical testing. Allele origin: unknown.
Comment: NM_000495.4(COL4A5):c.2963G>A(G988E) is a missense variant classified as likely pathogenic in the context of X-linked Alport syndrome. G988E has been observed in a case with relevant disease (PMID: 23371956). Relevant functional assessments of this variant are not available in the literature. Internal structural analysis of the variant is supportive of pathogenicity. G988E has not been observed in referenced population frequency databases. In summary, NM_000495.4(COL4A5):c.2963G>A(G988E) is a missense variant that has internal structural support for pathogenicity and has been observed more frequently in cases with the relevant disease than in healthy populations. Please note: this variant was assessed in the context of healthy population screening.

Bioscientia Institut fuer Medizinische Diagnostik GmbH, Sonic Healthcare
Classification: Likely pathogenic for X-linked Alport syndrome. Last evaluated: 2018-04-17. Review status: no assertion criteria provided. Collection method: clinical testing. Allele origin: germline. Affected: yes. Not counted in ClinVar's aggregate classification.

Literature cited by the submitters: PubMed 23371956 (cited by Myriad Genetics, Inc.).